The following is an entry in ClinVar:

NM_005858.4(AKAP8):c.1503C>T (p.Ser501=)

Gene: AKAP8 (A-kinase anchoring protein 8; minus strand). Cytogenetic location: 19p13.12.
Variant type: single nucleotide variant.
Coding change: c.1503C>T on transcript NM_005858.4 (MANE Select); coding-DNA position 1503, C replaced by T.
Protein change: p.Ser501=; no amino-acid change (serine 501 retained).
Molecular consequence: synonymous variant.
Genome position (GRCh38, 1-based): chr19:15,360,872, G>A on the plus strand (C>T on the coding strand, the complement: AKAP8 is on the minus strand). VCF-style: chr19-15360872-G-A. GRCh37 (hg19) VCF-style: chr19-15471683-G-A.
Identifiers: ClinVar variation 2649492 (VCV002649492.24), dbSNP rs199943338, ClinGen allele CA9265924.

ClinVar aggregate classification (germline): Likely benign (1 of 4 stars; one submission).

Allele frequency attached by ClinVar (database versions not stated): gnomAD exomes 0.00002; ExAC 0.00003; gnomAD 0.00007; TOPMed 0.00016; 1000 Genomes Project 0.00040; 1000 Genomes Project 30x 0.00047.
gnomAD v4.1: 48 of 1,613,422 alleles (0.003%); highest among the groups gnomAD compares: Admixed American, 0.027%; no homozygotes.

Submission:

CeGaT Center for Human Genetics Tuebingen
Classification: Likely benign. Last evaluated: 2022-04-01. Review status: criteria provided, single submitter. Criteria: CeGaT Center For Human Genetics Tuebingen Variant Classification Criteria Version 2. Collection method: clinical testing. Allele origin: germline. Affected: yes. Observed: 1 variant allele.
Comment: AKAP8: BP4, BP7